The following is an entry in ClinVar:

ClinVar aggregate classification (germline): Uncertain significance (1 of 4 stars; one submission).

Conditions:
Cranium bifidum occultum. Also called: CATLIN MARKS; CRANIUM BIFIDUM, HEREDITARY; Enlarged Parietal Foramina. Identifiers: MedGen C1868598, HP:0004423.

Allele frequency attached by ClinVar (database versions not stated): gnomAD exomes 0.00001; TOPMed 0.00001.
gnomAD v4.1: 9 of 1,613,782 alleles (0.00056%); highest among the groups gnomAD compares: Non-Finnish European, 0.00076%; no homozygotes.

Submission:

Labcorp Genetics (formerly Invitae), Labcorp
Classification: Uncertain significance for Cranium bifidum occultum. Last evaluated: 2022-03-19. Review status: criteria provided, single submitter. Criteria: Invitae Variant Classification Sherloc (09022015). Collection method: clinical testing. Allele origin: germline.
Comment: Algorithms developed to predict the effect of missense changes on protein structure and function are either unavailable or do not agree on the potential impact of this missense change (SIFT: "Deleterious"; PolyPhen-2: "Benign"; Align-GVGD: "Class C0"). In summary, the available evidence is currently insufficient to determine the role of this variant in disease. Therefore, it has been classified as a Variant of Uncertain Significance. This sequence change replaces isoleucine, which is neutral and non-polar, with valine, which is neutral and non-polar, at codon 249 of the MSX2 protein (p.Ile249Val). This variant is not present in population databases (gnomAD no frequency). This variant has not been reported in the literature in individuals affected with MSX2-related conditions. ClinVar contains an entry for this variant (Variation ID: 1002419).

NM_002449.5(MSX2):c.745A>G (p.Ile249Val)

Gene: MSX2 (msh homeobox 2; plus strand). Cytogenetic location: 5q35.2.
Variant type: single nucleotide variant.
Coding change: c.745A>G on transcript NM_002449.5 (MANE Select); coding-DNA position 745, A replaced by G.
Protein change: p.Ile249Val; replaces isoleucine 249 with valine.
Molecular consequence: missense variant. On other transcripts: 3 prime UTR variant (1).
Genome position (GRCh38, 1-based): chr5:174,729,524, A>G. VCF-style: chr5-174729524-A-G. GRCh37 (hg19) VCF-style: chr5-174156527-A-G.
Other names: c.*369A>G (NM_001363626.2); short protein forms I249V.
Identifiers: ClinVar variation 1002419 (VCV001002419.8), dbSNP rs1760880294, ClinGen allele CA362230536.
Genomic context (GRCh38, chr5:174,729,524, plus strand): 5'-CCCCTGCAGGCAGCGTCCATATATGGAGCATCCTACCCGTTCCATAGACCTGTGCTTCCC[A>G]TCCCGCCTGTGGGACTCTATGCCACGCCAGTGGGATATGGCATGTACCACCTGTCCTAAG-3'
Protein context (NP_002440.2, residues 239-259): SYPFHRPVLP[Ile249Val]PPVGLYATPV